The following is an entry in ClinVar:

NM_015030.2(FRYL):c.227G>T (p.Arg76Leu)

Gene: FRYL (FRY like transcription coactivator; minus strand). Cytogenetic location: 4p11.
Variant type: single nucleotide variant.
Coding change: c.227G>T on transcript NM_015030.2 (MANE Select); coding-DNA position 227, G replaced by T.
Protein change: p.Arg76Leu; replaces arginine 76 with leucine.
Molecular consequence: missense variant.
Genome position (GRCh38, 1-based): chr4:48,620,726, C>A on the plus strand (G>T on the coding strand, the complement: FRYL is on the minus strand). VCF-style: chr4-48620726-C-A. GRCh37 (hg19) VCF-style: chr4-48622743-C-A.
Other names: short protein forms R76L.
Identifiers: ClinVar variation 4705925 (VCV004705925.1).

ClinVar aggregate classification (germline): Uncertain significance (1 of 4 stars; one submission).

gnomAD v4.1: 14 of 1,613,536 alleles (0.00087%); highest among the groups gnomAD compares: Non-Finnish European, 0.0011%; no homozygotes.

Submission:

Labcorp Genetics (formerly Invitae), Labcorp
Classification: Uncertain significance. Last evaluated: 2026-01-16. Review status: criteria provided, single submitter. Criteria: Invitae Variant Classification Sherloc (09022015). Collection method: clinical testing. Allele origin: germline.
Comment: This sequence change replaces arginine, which is basic and polar, with leucine, which is neutral and non-polar, at codon 76 of the FRYL protein (p.Arg76Leu). This variant is present in population databases (rs756586585, gnomAD 0.004%). This variant has not been reported in the literature in individuals affected with FRYL-related conditions. An algorithm developed to predict the effect of missense changes on protein structure and function (PolyPhen-2) suggests that this variant is likely to be disruptive. Algorithms developed to predict the effect of sequence changes on RNA splicing suggest that this variant may create or strengthen a splice site. In summary, the available evidence is currently insufficient to determine the role of this variant in disease. Therefore, it has been classified as a Variant of Uncertain Significance.